The following is an entry in ClinVar:

NM_000214.3(JAG1):c.73C>T (p.Arg25Ter)

Gene: JAG1 (jagged canonical Notch ligand 1; minus strand). Cytogenetic location: 20p12.2.
Variant type: single nucleotide variant.
Coding change: c.73C>T on transcript NM_000214.3 (MANE Select); coding-DNA position 73, C replaced by T.
Protein change: p.Arg25Ter; replaces arginine 25 with a stop codon.
Molecular consequence: nonsense.
Genome position (GRCh38, 1-based): chr20:10,673,458, G>A on the plus strand (C>T on the coding strand, the complement: JAG1 is on the minus strand). VCF-style: chr20-10673458-G-A. GRCh37 (hg19) VCF-style: chr20-10654106-G-A.
Other names: short protein forms R25*.
Identifiers: ClinVar variation 3344979 (VCV003344979.3).

ClinVar aggregate classification (germline): Pathogenic. Review status: criteria provided, single submitter (1 of 4 stars). 2 submissions from 2 submitters: Pathogenic (1). 1 of the submissions does not count toward it. Last evaluated 2024-07-17.

Conditions:
JAG1-related disorder. Also called: JAG1-related disorders; JAG1-related condition.
Alagille syndrome due to a JAG1 point mutation. Also called: JAG1-Related Alagille Syndrome; HEPATIC DUCTULAR HYPOPLASIA, SYNDROMATIC; Alagille Syndrome 1. Identifiers: Orphanet 261619, Orphanet 52, MedGen C1956125, MONDO:0016862, OMIM 118450.

Submissions (2):

Labcorp Genetics (formerly Invitae), Labcorp
Classification: Pathogenic for Alagille syndrome due to a JAG1 point mutation. Last evaluated: 2024-07-17. Review status: criteria provided, single submitter. Criteria: Invitae Variant Classification Sherloc (09022015). Collection method: clinical testing. Allele origin: germline.
Comment: This sequence change creates a premature translational stop signal (p.Arg25*) in the JAG1 gene. It is expected to result in an absent or disrupted protein product. Loss-of-function variants in JAG1 are known to be pathogenic (PMID: 11180599). This variant is not present in population databases (gnomAD no frequency). This premature translational stop signal has been observed in individual(s) with Alagille syndrome (PMID: 10220506, 35595280). For these reasons, this variant has been classified as Pathogenic.

PreventionGenetics, part of Exact Sciences
Classification: Pathogenic for JAG1-related condition. Last evaluated: 2024-07-11. Review status: no assertion criteria provided. Collection method: clinical testing. Allele origin: germline. Not counted in ClinVar's aggregate classification.
Comment: The JAG1 c.73C>T variant is predicted to result in premature protein termination (p.Arg25*). This variant was reported in an individual with Alagille syndrome (Crosnier et al. 1999. PubMed ID: 10220506; Table S1, Wang H et al 2022. PubMed ID: 35595280). This variant has not been reported in a large population database, indicating this variant is rare. Nonsense variants in JAG1 are expected to be pathogenic. This variant is interpreted as pathogenic.

Literature cited by the submitters: PubMed 11180599 (cited by Labcorp Genetics (formerly Invitae), Labcorp); PubMed 10220506 (cited by Labcorp Genetics (formerly Invitae), Labcorp); PubMed 35595280 (cited by Labcorp Genetics (formerly Invitae), Labcorp).